The following is an entry in ClinVar:

ClinVar aggregate classification (germline): Uncertain significance (1 of 4 stars; one submission).

Conditions:
Combined oxidative phosphorylation defect type 27. Also called: Combined oxidative phosphorylation deficiency 27. Identifiers: Orphanet 477774, MedGen C5567608, MONDO:0014728, OMIM 616672.

Allele frequency attached by ClinVar (database versions not stated): gnomAD exomes below 0.00001.
gnomAD v4.1: 1 of 1,612,214 alleles (0.000062%); highest among the groups gnomAD compares: Admixed American, 0.0017%; no homozygotes.

Submission:

Labcorp Genetics (formerly Invitae), Labcorp
Classification: Uncertain significance for Combined oxidative phosphorylation defect type 27. Last evaluated: 2022-08-03. Review status: criteria provided, single submitter. Criteria: Invitae Variant Classification Sherloc (09022015). Collection method: clinical testing. Allele origin: germline.
Comment: In summary, the available evidence is currently insufficient to determine the role of this variant in disease. Therefore, it has been classified as a Variant of Uncertain Significance. This variant has not been reported in the literature in individuals affected with CARS2-related conditions. This variant is present in population databases (no rsID available, gnomAD 0.003%). This sequence change disrupts the translational stop signal of the CARS2 mRNA. It is expected to extend the length of the CARS2 protein by 37 additional amino acid residues.

NM_024537.4(CARS2):c.1695A>C (p.Ter565Cys)

Gene: CARS2 (cysteinyl-tRNA synthetase 2, mitochondrial; minus strand). Cytogenetic location: 13q34.
Variant type: single nucleotide variant.
Coding change: c.1695A>C on transcript NM_024537.4 (MANE Select); coding-DNA position 1695, A replaced by C.
Protein change: p.Ter565Cys.
Molecular consequence: stop lost. On other transcripts: non-coding transcript variant (2).
Genome position (GRCh38, 1-based): chr13:110,641,537, T>G on the plus strand (A>C on the coding strand, the complement: CARS2 is on the minus strand). VCF-style: chr13-110641537-T-G. GRCh37 (hg19) VCF-style: chr13-111293884-T-G.
Other names: c.909A>C, p.Ter303Cys (NM_001352252.2).
Identifiers: ClinVar variation 2021289 (VCV002021289.4), dbSNP rs1324031739, ClinGen allele CA388739025.